The following is an entry in ClinVar:

NM_001005242.3(PKP2):c.1391_1406del (p.Asn464fs)

Gene: PKP2 (plakophilin 2; minus strand). Cytogenetic location: 12p11.21.
Variant type: Deletion.
Coding change: c.1391_1406del on transcript NM_001005242.3 (MANE Select); coding-DNA positions 1391 to 1406, 16 bases deleted (ATTTGTCATCTAATGA).
Protein change: p.Asn464fs; shifts the reading frame from asparagine 464.
Molecular consequence: frameshift variant.
Genome position (GRCh38, 1-based): chr12:32,841,178-32,841,193, TCATTAGATGACAAAT deleted on the plus strand (ATTTGTCATCTAATGA on the coding strand, the reverse complement: PKP2 is on the minus strand); deleting any 16 consecutive bases within chr12:32,841,178-32,841,195 gives the same sequence; the c. name uses the placement nearest the transcript's 3' end. VCF-style (leftmost placement, unchanged base first): chr12-32841177-GTCATTAGATGACAAAT-G. GRCh37 (hg19) VCF-style: chr12-32994111-GTCATTAGATGACAAAT-G.
Other names: p.Asn508Thrfs*7; c.1523_1538del, p.Asn508fs (NM_004572.4); c.1523_1538del16 (NM_004572.3); short protein forms N464fs, N508fs.
Identifiers: ClinVar variation 1342667 (VCV001342667.3), dbSNP rs2137830958, ClinGen allele CA2573053658.

ClinVar aggregate classification (germline): Likely pathogenic. Review status: criteria provided, single submitter (1 of 4 stars). 2 submissions from 2 submitters: Likely pathogenic (1). 1 of the submissions does not count toward it. Last evaluated 2022-02-25.

Conditions:
PKP2-related disorder. Also called: PKP2-related condition.
Arrhythmogenic right ventricular dysplasia 9 (ARVD9). Also called: ARRHYTHMOGENIC RIGHT VENTRICULAR DYSPLASIA, FAMILIAL, 9; Arrhythmogenic Right Ventricular Dysplasia/Cardiomyopathy 9. Identifiers: MedGen C1836906, MONDO:0012180, OMIM 609040.

Submissions (2):

Petrovsky National Research Centre of Surgery, The Federal Agency for Scientific Organizations
Classification: Likely pathogenic for Arrhythmogenic right ventricular dysplasia 9. Last evaluated: 2022-02-25. Review status: criteria provided, single submitter. Criteria: ACMG Guidelines, 2015. Collection method: clinical testing. Allele origin: germline. Inheritance: Autosomal dominant inheritance. Affected: yes. Observed: 2 heterozygotes.
Comment: We observed a genetic variant с.1523_1538del (p.Asn508Thrfs*7) in the PKP2 gene in two unrelated probands, both diagnosed with arrhythmogenic right ventricular cardiomyopathy (ARVC). It is expected to result in an absent or disrupted protein product. This variant is not present in databases (gnomAD, LOVD). Loss-of-function variants in PKP2 are known to be pathogenic (PMID: 15489853, 23911551). For these reasons, this variant has been classified as Likely Pathogenic.

PreventionGenetics, part of Exact Sciences
Classification: Pathogenic for PKP2-related condition. Last evaluated: 2024-05-17. Review status: no assertion criteria provided. Collection method: clinical testing. Allele origin: germline. Not counted in ClinVar's aggregate classification.
Comment: The PKP2 c.1523_1538del16 variant is predicted to result in a frameshift and premature protein termination (p.Asn508Thrfs*7). This variant was reported in an individual with arrhythmogenic right ventricular cardiomyopathy (Shestak et al. 2014.). This variant has not been reported in a large population database, indicating this variant is rare. Frameshift variants in PKP2 are expected to be pathogenic. This variant is interpreted as pathogenic.

Literature cited by the submitters: DOI 10.15829/1560-4071-2021-4692 (cited by Petrovsky National Research Centre of Surgery, The Federal Agency for Scientific Organizations).